The following is an entry in ClinVar:

NM_000243.3(MEFV):c.261del (p.His87fs)

Gene: MEFV (MEFV innate immunity regulator, pyrin; minus strand). Cytogenetic location: 16p13.3.
Variant type: Deletion.
Coding change: c.261del on transcript NM_000243.3 (MANE Select); coding-DNA position 261, one base deleted (C; older notation c.261delC).
Protein change: p.His87fs; shifts the reading frame from histidine 87.
Molecular consequence: frameshift variant.
Genome position (GRCh38, 1-based): chr16:3,256,327, G deleted on the plus strand (C on the coding strand, the reverse complement: MEFV is on the minus strand). VCF-style (leftmost placement, unchanged base first): chr16-3256326-TG-T. GRCh37 (hg19) VCF-style: chr16-3306326-TG-T.
Other names: c.261del, p.His87fs (NM_001198536.2); short protein forms H87fs.
Identifiers: ClinVar variation 1001364 (VCV001001364.6), dbSNP rs1959114310, ClinGen allele CA2202665848.

ClinVar aggregate classification (germline): Uncertain significance (1 of 4 stars; one submission).

Conditions:
Familial Mediterranean fever (FMF). Also called: POLYSEROSITIS, FAMILIAL PAROXYSMAL; POLYSEROSITIS, RECURRENT; Periodic peritonitis; Benign paroxysmal peritonitis. Identifiers: Orphanet 342, MedGen C0031069, MONDO:0018088, OMIM 249100. Disease mechanism: gain of function.

Submission:

Labcorp Genetics (formerly Invitae), Labcorp
Classification: Uncertain significance for Familial Mediterranean fever. Last evaluated: 2020-04-17. Review status: criteria provided, single submitter. Criteria: Invitae Variant Classification Sherloc (09022015). Collection method: clinical testing. Allele origin: germline.
Comment: In summary, the available evidence is currently insufficient to determine the role of this variant in disease. Therefore, it has been classified as a Variant of Uncertain Significance. The current clinical and genetic evidence is not sufficient to establish whether loss-of-function variants in MEFV cause disease. Experimental studies and prediction algorithms are not available or were not evaluated, and the functional significance of this variant is currently unknown. This variant has not been reported in the literature in individuals with MEFV-related conditions. This variant is not present in population databases (ExAC no frequency). This sequence change creates a premature translational stop signal (p.His87Glnfs*32) in the MEFV gene. It is expected to result in an absent or disrupted protein product.